The following is an entry in ClinVar:

ClinVar aggregate classification (germline): Likely benign. Review status: criteria provided, single submitter (1 of 4 stars). 2 submissions from 2 submitters: Likely benign (1). 1 of the submissions does not count toward it. Last evaluated 2026-02-02.

Conditions:
Early-infantile DEE. Also called: Early infantile epileptic encephalopathy; Ohtahara syndrome; Early infantile epileptic encephalopathy with suppression bursts. Identifiers: Orphanet 1934, MedGen C0393706, MONDO:0800491.
SCN1A-related disorder. Also called: SCN1A-related conditions; SCN1A-related condition; SCN1A-related disorders.

Allele frequency attached by ClinVar (database versions not stated): gnomAD 0.00004 and 0.00003; ESP Exome Variant Server 0.00008; gnomAD exomes below 0.00001; ExAC 0.00001; TOPMed 0.00003.

Submissions (2):

Labcorp Genetics (formerly Invitae), Labcorp
Classification: Likely benign for Early-infantile DEE. Last evaluated: 2026-02-02. Review status: criteria provided, single submitter. Criteria: Invitae Variant Classification Sherloc (09022015). Collection method: clinical testing. Allele origin: germline.

PreventionGenetics, part of Exact Sciences
Classification: Likely benign for SCN1A-related condition. Last evaluated: 2024-09-12. Review status: no assertion criteria provided. Collection method: clinical testing. Allele origin: germline. Not counted in ClinVar's aggregate classification.
Comment: This variant is classified as likely benign based on ACMG/AMP sequence variant interpretation guidelines (Richards et al. 2015 PMID: 25741868, with internal and published modifications).

NM_001165963.4(SCN1A):c.5547C>G (p.Leu1849=)

Genes: SCN1A (sodium voltage-gated channel alpha subunit 1; minus strand), LOC102724058 (uncharacterized LOC102724058; plus strand). Cytogenetic location: 2q24.3.
Variant type: single nucleotide variant.
Coding change: c.5547C>G on transcript NM_001165963.4 (MANE Select); coding-DNA position 5547, C replaced by G.
Protein change: p.Leu1849=; no amino-acid change (leucine 1849 retained).
Molecular consequence: synonymous variant. On other transcripts: non-coding transcript variant (1).
Genome position (GRCh38, 1-based): chr2:165,991,728, G>C on the plus strand (C>G on the coding strand, the complement: SCN1A is on the minus strand). VCF-style: chr2-165991728-G-C. GRCh37 (hg19) VCF-style: chr2-166848238-G-C.
Other names: c.5463C>G, p.Leu1821= (NM_001165964.3, NM_001353957.2, NM_001353958.2); c.5547C>G, p.Leu1849= (NM_001202435.3, NM_001353948.2); c.5514C>G, p.Leu1838= (NM_001353949.2, NM_001353950.2, NM_001353951.2 and 2 more transcripts); c.5511C>G, p.Leu1837= (NM_001353954.2, NM_001353955.2); c.5460C>G, p.Leu1820= (NM_001353960.2); c.3105C>G, p.Leu1035= (NM_001353961.2); c.5547C>G (NM_001202435.1).
Identifiers: ClinVar variation 1576996 (VCV001576996.10), dbSNP rs140529318, ClinGen allele CA1942667.